The following is an entry in ClinVar:

NM_006180.6(NTRK2):c.306A>G (p.Gly102=)

Gene: NTRK2 (neurotrophic receptor tyrosine kinase 2; plus strand). Cytogenetic location: 9q21.33.
Variant type: single nucleotide variant.
Coding change: c.306A>G on transcript NM_006180.6 (MANE Select); coding-DNA position 306, A replaced by G.
Protein change: p.Gly102=; no amino-acid change (glycine 102 retained).
Molecular consequence: synonymous variant. On other transcripts: 5 prime UTR variant (4).
Genome position (GRCh38, 1-based): chr9:84,702,366, A>G. VCF-style: chr9-84702366-A-G. GRCh37 (hg19) VCF-style: chr9-87317281-A-G.
Other names: c.306A>G, p.Gly102= (NM_001007097.3, NM_001018064.3, NM_001018065.2 and 19 more transcripts); c.-163A>G (NM_001369535.1, NM_001369551.1, NM_001369550.1 and 1 more transcripts); c.306A>G (NM_006180.4).
Identifiers: ClinVar variation 2960063 (VCV002960063.4), dbSNP rs1316923731, ClinGen allele CA465893954.
Genomic context (GRCh38, chr9:84,702,366, plus strand): 5'-ACTGGTTCGTTCTAATGTGCATGAAATTATGTGTTTTCACAGGACAATTGTGGATTCTGG[A>G]TTAAAATTTGTGGCTCATAAAGCATTTCTGAAAAACAGCAACCTGCAGCACATGTAAGTA-3'
Protein context (NP_006171.2, residues 92-112): GLRNLTIVDS[Gly102=]LKFVAHKAFL

ClinVar aggregate classification (germline): Likely benign. Review status: criteria provided, multiple submitters, no conflicts (2 of 4 stars). 2 submissions from 2 submitters: Likely benign (2). Last evaluated 2026-07-14.

Conditions:
NTRK2-related disorder. Also called: NTRK2-related condition.

Allele frequency attached by ClinVar (database versions not stated): gnomAD 0.00001; gnomAD exomes 0.00001; TOPMed 0.00001.
gnomAD v4.1: 10 of 1,614,076 alleles (0.00062%); highest among the groups gnomAD compares: South Asian, 0.0011%; no homozygotes.

Submissions (2):

PreventionGenetics, part of Exact Sciences
Classification: Likely benign for NTRK2-related condition. Last evaluated: 2026-07-14. Review status: criteria provided, single submitter. Criteria: ACMG Guidelines, 2015. Collection method: clinical testing. Allele origin: germline.
Comment: This variant is classified as likely benign based on ACMG/AMP sequence variant interpretation guidelines (Richards et al. 2015 PMID: 25741868, with internal and published modifications).

Labcorp Genetics (formerly Invitae), Labcorp
Classification: Likely benign. Last evaluated: 2023-01-24. Review status: criteria provided, single submitter. Criteria: Invitae Variant Classification Sherloc (09022015). Collection method: clinical testing. Allele origin: germline.